The following is an entry in ClinVar:

NM_007255.3(B4GALT7):c.911G>C (p.Gly304Ala)

Gene: B4GALT7 (beta-1,4-galactosyltransferase 7; plus strand). Cytogenetic location: 5q35.3.
Variant type: single nucleotide variant.
Coding change: c.911G>C on transcript NM_007255.3 (MANE Select); coding-DNA position 911, G replaced by C.
Protein change: p.Gly304Ala; replaces glycine 304 with alanine.
Molecular consequence: missense variant.
Genome position (GRCh38, 1-based): chr5:177,609,622, G>C. VCF-style: chr5-177609622-G-C. GRCh37 (hg19) VCF-style: chr5-177036623-G-C.
Other names: short protein forms G304A.
Identifiers: ClinVar variation 2124394 (VCV002124394.5), dbSNP rs2532543268, ClinGen allele CA362377577.
Genomic context (GRCh38, chr5:177,609,622, plus strand): 5'-AGGGAGGCCTGAACACTGTGAAGTACCATGTGGCTTCCCGCACTGCCCTGTCTGTGGGCG[G>C]GGCCCCCTGCACTGTCCTCAACATCATGTTGGACTGTGACAAGACCGCCACACCCTGGTG-3'
Protein context (NP_009186.1, residues 294-314): VASRTALSVG[Gly304Ala]APCTVLNIML

ClinVar aggregate classification (germline): Uncertain significance. Review status: criteria provided, multiple submitters, no conflicts (2 of 4 stars). 2 submissions from 2 submitters: Uncertain significance (2). Last evaluated 2022-09-06.

Conditions:
Spondylodysplastic Ehlers-Danlos syndrome. Identifiers: Orphanet 536471, Orphanet 75496, MedGen C5680154, MONDO:0007526.
Inborn genetic diseases. Identifiers: MedGen C0950123, MeSH D030342.

Allele frequency attached by ClinVar (database versions not stated): gnomAD exomes below 0.00001.
gnomAD v4.1: 3 of 1,614,008 alleles (0.00019%); highest among the groups gnomAD compares: Non-Finnish European, 0.00025%; no homozygotes.

Submissions (2):

Ambry Genetics
Classification: Uncertain significance for Inborn genetic diseases. Last evaluated: 2022-09-06. Review status: criteria provided, single submitter. Criteria: Ambry Variant Classification Scheme 2023. Collection method: clinical testing. Allele origin: germline.

Labcorp Genetics (formerly Invitae), Labcorp
Classification: Uncertain significance for Spondylodysplastic Ehlers-Danlos syndrome. Last evaluated: 2022-06-08. Review status: criteria provided, single submitter. Criteria: Invitae Variant Classification Sherloc (09022015). Collection method: clinical testing. Allele origin: germline.
Comment: In summary, the available evidence is currently insufficient to determine the role of this variant in disease. Therefore, it has been classified as a Variant of Uncertain Significance. Algorithms developed to predict the effect of missense changes on protein structure and function are either unavailable or do not agree on the potential impact of this missense change (SIFT: "Tolerated"; PolyPhen-2: "Probably Damaging"; Align-GVGD: "Class C0"). This variant has not been reported in the literature in individuals affected with B4GALT7-related conditions. This variant is not present in population databases (gnomAD no frequency). This sequence change replaces glycine, which is neutral and non-polar, with alanine, which is neutral and non-polar, at codon 304 of the B4GALT7 protein (p.Gly304Ala).